The following is an entry in ClinVar:

NM_014727.3(KMT2B):c.4193A>G (p.Gln1398Arg)

Gene: KMT2B (lysine methyltransferase 2B; plus strand). Cytogenetic location: 19q13.12.
Variant type: single nucleotide variant.
Coding change: c.4193A>G on transcript NM_014727.3 (MANE Select); coding-DNA position 4193, A replaced by G.
Protein change: p.Gln1398Arg; replaces glutamine 1398 with arginine.
Molecular consequence: missense variant.
Genome position (GRCh38, 1-based): chr19:35,727,513, A>G. VCF-style: chr19-35727513-A-G. GRCh37 (hg19) VCF-style: chr19-36218414-A-G.
Other names: short protein forms Q1398R.
Identifiers: ClinVar variation 3616977 (VCV003616977.2).

ClinVar aggregate classification (germline): Uncertain significance (1 of 4 stars; one submission).

gnomAD v4.1: 1 of 1,610,922 alleles (0.000062%); no homozygotes.

Submission:

Labcorp Genetics (formerly Invitae), Labcorp
Classification: Uncertain significance. Last evaluated: 2024-04-08. Review status: criteria provided, single submitter. Criteria: Invitae Variant Classification Sherloc (09022015). Collection method: clinical testing. Allele origin: germline.
Comment: This sequence change replaces glutamine, which is neutral and polar, with arginine, which is basic and polar, at codon 1398 of the KMT2B protein (p.Gln1398Arg). This variant is not present in population databases (gnomAD no frequency). This variant has not been reported in the literature in individuals affected with KMT2B-related conditions. Advanced modeling of protein sequence and biophysical properties (such as structural, functional, and spatial information, amino acid conservation, physicochemical variation, residue mobility, and thermodynamic stability) performed at Invitae indicates that this missense variant is not expected to disrupt KMT2B protein function with a negative predictive value of 95%. In summary, the available evidence is currently insufficient to determine the role of this variant in disease. Therefore, it has been classified as a Variant of Uncertain Significance.